The following is an entry in ClinVar:

NM_001379081.2(FREM1):c.1831C>A (p.Gln611Lys)

Gene: FREM1 (FRAS1 related extracellular matrix 1; minus strand). Cytogenetic location: 9p22.3.
Variant type: single nucleotide variant.
Coding change: c.1831C>A on transcript NM_001379081.2 (MANE Select); coding-DNA position 1831, C replaced by A.
Protein change: p.Gln611Lys; replaces glutamine 611 with lysine.
Molecular consequence: missense variant. On other transcripts: non-coding transcript variant (2).
Genome position (GRCh38, 1-based): chr9:14,841,497, G>T on the plus strand (C>A on the coding strand, the complement: FREM1 is on the minus strand). VCF-style: chr9-14841497-G-T. GRCh37 (hg19) VCF-style: chr9-14841495-G-T.
Other names: c.1831C>A, p.Gln611Lys (NM_144966.7); short protein forms Q611K.
Identifiers: ClinVar variation 5002149 (VCV005002149.1).
Genomic context (GRCh38, chr9:14,841,497, plus strand): 5'-AGTCTCTTACCTGTGGCACTGAAAGATTTGGAGGTTCATGGCTGTCCCACAGGACAAATT[G>T]AAAAGAATCTTCAAAGATTTCTCCACCAAAATGACGATAATAAATGATTCCATTAAACAA-3'
Protein context (NP_001366010.1, residues 601-621): FGGEIFEDSF[Gln611Lys]FVLWDSHEPP

ClinVar aggregate classification (germline): Uncertain significance (1 of 4 stars; one submission).

Conditions:
FREM1-related disorder. Also called: FREM1-Related Disorders; FREM1-related condition.

gnomAD v4.1: 2 of 1,611,990 alleles (0.00012%); highest among the groups gnomAD compares: African/African-American, 0.0013%; no homozygotes.

Submission:

PreventionGenetics, part of Exact Sciences
Classification: Uncertain significance for FREM1-related condition. Last evaluated: 2026-02-10. Review status: criteria provided, single submitter. Criteria: ACMG Guidelines, 2015. Collection method: clinical testing. Allele origin: germline.
Comment: The FREM1 c.1831C>A variant is predicted to result in the amino acid substitution p.Gln611Lys. To our knowledge, this variant has not been reported in the literature or in a large population database (gnomAD), indicating this variant is rare. At this time, the clinical significance of this variant is uncertain due to the absence of conclusive functional and genetic evidence.